The following is an entry in ClinVar:

ClinVar aggregate classification (germline): Benign/Likely benign. Review status: criteria provided, multiple submitters, no conflicts (2 of 4 stars). 3 submissions from 3 submitters: Benign (1); Likely benign (2). Last evaluated 2022-03-01.

Allele frequency attached by ClinVar (database versions not stated): 1000 Genomes Project 0.00140; 1000 Genomes Project 30x 0.00141; TOPMed 0.00180; gnomAD 0.00196 and 0.00200; ESP Exome Variant Server 0.00230; gnomAD exomes 0.00308.
gnomAD v4.1: 4,782 of 1,613,290 alleles (0.3%); highest among the groups gnomAD compares: South Asian, 0.53%; 22 homozygotes.

Submissions (3):

CeGaT Center for Human Genetics Tuebingen
Classification: Benign. Last evaluated: 2022-03-01. Review status: criteria provided, single submitter. Criteria: CeGaT Center For Human Genetics Tuebingen Variant Classification Criteria Version 2. Collection method: clinical testing. Allele origin: germline. Affected: yes. Observed: 1 variant allele.
Comment: ABCA13: BS1, BS2

Labcorp Genetics (formerly Invitae), Labcorp
Classification: Likely benign. Last evaluated: 2017-12-14. Review status: criteria provided, single submitter. Criteria: Invitae Variant Classification Sherloc (09022015). Collection method: clinical testing. Allele origin: germline.

Breakthrough Genomics
Classification: Likely benign. Review status: criteria provided, single submitter. Criteria: ACMG Guidelines, 2015. Collection method: not provided. Allele origin: germline. Inheritance: Unknown mechanism. Affected: yes.

NM_152701.5(ABCA13):c.14521A>G (p.Ile4841Val)

Gene: ABCA13 (ATP binding cassette subfamily A member 13; plus strand). Cytogenetic location: 7p12.3.
Variant type: single nucleotide variant.
Coding change: c.14521A>G on transcript NM_152701.5 (MANE Select); coding-DNA position 14521, A replaced by G.
Protein change: p.Ile4841Val; replaces isoleucine 4841 with valine.
Molecular consequence: missense variant.
Genome position (GRCh38, 1-based): chr7:48,587,169, A>G. VCF-style: chr7-48587169-A-G. GRCh37 (hg19) VCF-style: chr7-48626765-A-G.
Other names: short protein forms I4841V.
Identifiers: ClinVar variation 718826 (VCV000718826.28), dbSNP rs75519473, ClinGen allele CA4259687.